The following is an entry in ClinVar:

ClinVar aggregate classification (germline): Likely benign. Review status: criteria provided, multiple submitters, no conflicts (2 of 4 stars). 3 submissions from 3 submitters: Likely benign (3). Last evaluated 2026-01-05.

Conditions:
ADAMTS18-related disorder. Also called: ADAMTS18-related condition.

Allele frequency attached by ClinVar (database versions not stated): ExAC 0.00002; gnomAD exomes 0.00002 and 0.00005; gnomAD 0.00041 and 0.00043; TOPMed 0.00091; 1000 Genomes Project 0.00120; 1000 Genomes Project 30x 0.00156.
gnomAD v4.1: 101 of 1,614,212 alleles (0.0063%); highest among the groups gnomAD compares: Admixed American, 0.13%; no homozygotes.

Submissions (3):

Labcorp Genetics (formerly Invitae), Labcorp
Classification: Likely benign. Last evaluated: 2026-01-05. Review status: criteria provided, single submitter. Criteria: Invitae Variant Classification Sherloc (09022015). Collection method: clinical testing. Allele origin: germline.

PreventionGenetics, part of Exact Sciences
Classification: Likely benign for ADAMTS18-related condition. Last evaluated: 2025-01-27. Review status: criteria provided, single submitter. Criteria: ACMG Guidelines, 2015. Collection method: clinical testing. Allele origin: germline.
Comment: This variant is classified as likely benign based on ACMG/AMP sequence variant interpretation guidelines (Richards et al. 2015 PMID: 25741868, with internal and published modifications).

Blueprint Genetics
Classification: Likely benign. Last evaluated: 2024-06-06. Review status: criteria provided, single submitter. Criteria: ACMG Guidelines, 2015. Collection method: clinical testing. Allele origin: germline.

NM_199355.4(ADAMTS18):c.2241T>G (p.Thr747=)

Gene: ADAMTS18 (ADAM metallopeptidase with thrombospondin type 1 motif 18; minus strand). Cytogenetic location: 16q23.1.
Variant type: single nucleotide variant.
Coding change: c.2241T>G on transcript NM_199355.4 (MANE Select); coding-DNA position 2241, T replaced by G.
Protein change: p.Thr747=; no amino-acid change (threonine 747 retained).
Molecular consequence: synonymous variant.
Genome position (GRCh38, 1-based): chr16:77,321,125, A>C on the plus strand (T>G on the coding strand, the complement: ADAMTS18 is on the minus strand). VCF-style: chr16-77321125-A-C. GRCh37 (hg19) VCF-style: chr16-77355022-A-C.
Other names: c.1725T>G, p.Thr575= (NM_001326358.2); c.2241T>G (NM_199355.3).
Identifiers: ClinVar variation 1119036 (VCV001119036.9), dbSNP rs188168666, ClinGen allele CA8180991.